The following is an entry in ClinVar:

ClinVar aggregate classification (germline): Benign/Likely benign. Review status: criteria provided, multiple submitters, no conflicts (2 of 4 stars). 10 submissions from 10 submitters: Benign (5); Likely benign (2). 3 of the submissions do not count toward it. Last evaluated 2026-03-24.

Conditions:
Papillary renal cell carcinoma type 1 (RCCP1). Also called: RENAL CELL CARCINOMA, PAPILLARY, 1, SOMATIC; Renal adenocarcinoma; Renal cell carcinoma 1; Renal cell carcinoma, somatic. Identifiers: Orphanet 47044, MedGen C1336839, OMIM 605074, HP:0011797.

Allele frequency attached by ClinVar (database versions not stated): gnomAD 0.00331 and 0.00313; TOPMed 0.00383; gnomAD exomes 0.00029 and 0.00079; ExAC 0.00092; 1000 Genomes Project 0.00399; 1000 Genomes Project 30x 0.00453; ESP Exome Variant Server 0.00300.
gnomAD v4.1: 922 of 1,613,656 alleles (0.057%); highest among the groups gnomAD compares: African/African-American, 1.1%; 8 homozygotes.

Submissions (10):

Dasa
Classification: Benign. Last evaluated: 2026-03-24. Review status: criteria provided, single submitter. Criteria: DASA Assertion Criteria. Collection method: clinical testing. Allele origin: germline.
Comment: NM_000245.4(MET):c.-14-4G>A is an intronic variant. Population frequency is inconsistent with a disease-causing role for this variant. Therefore, based on the currently available evidence, this variant is classified as benign.

Center for Genomic Medicine, Rigshospitalet, Copenhagen University Hospital
Classification: Benign. Last evaluated: 2025-03-04. Review status: criteria provided, single submitter. Criteria: ACMG Guidelines, 2015. Collection method: clinical testing. Allele origin: germline.

Myriad Genetics, Inc.
Classification: Likely benign for Papillary renal cell carcinoma type 1. Last evaluated: 2024-11-05. Review status: criteria provided, single submitter. Criteria: Myriad Autosomal Dominant, Autosomal Recessive and X-Linked Classification Criteria (2023). Collection method: clinical testing. Allele origin: unknown.
Comment: This variant is considered likely benign. This variant is intronic and is not expected to impact mRNA splicing.

GeneDx
Classification: Likely benign. Last evaluated: 2021-05-03. Review status: criteria provided, single submitter. Criteria: GeneDx Variant Classification Process June 2021. Collection method: clinical testing. Allele origin: germline. Affected: yes.
Comment: This variant is associated with the following publications: (PMID: 27028822)

ARUP Laboratories, Molecular Genetics and Genomics, ARUP Laboratories
Classification: Benign. Last evaluated: 2020-02-18. Review status: criteria provided, single submitter. Criteria: ARUP Molecular Germline Variant Investigation Process. Collection method: clinical testing. Allele origin: germline.

Illumina Laboratory Services, Illumina
Classification: Benign for Papillary renal cell carcinoma type 1. Last evaluated: 2018-01-13. Review status: criteria provided, single submitter. Criteria: ICSL Variant Classification Criteria 13 December 2019. Collection method: clinical testing. Allele origin: germline.
Comment: This variant was observed in the ICSL laboratory as part of a predisposition screen in an ostensibly healthy population. It had not been previously curated by ICSL or reported in the Human Gene Mutation Database (HGMD: prior to June 1st, 2018), and was therefore a candidate for classification through an automated scoring system. Utilizing variant allele frequency, disease prevalence and penetrance estimates, and inheritance mode, an automated score was calculated to assess if this variant is too frequent to cause the disease. Based on the score and internal cut-off values, a variant classified as benign is not then subjected to further curation. The score for this variant resulted in a classification of benign for this disease.

PreventionGenetics, part of Exact Sciences
Classification: Benign. Review status: criteria provided, single submitter. Criteria: ACMG Guidelines, 2015. Collection method: clinical testing. Allele origin: germline.

Eurofins Ntd Llc (ga)
Classification: Benign for AllHighlyPenetrant. Last evaluated: 2013-01-17. Review status: no assertion criteria provided. Collection method: clinical testing. Allele origin: germline. Observed: 1 variant allele, 1 heterozygote. Not counted in ClinVar's aggregate classification.

Clinical Genetics DNA and cytogenetics Diagnostics Lab, Erasmus MC, Erasmus Medical Center
Classification: Benign. Review status: no assertion criteria provided. Collection method: clinical testing. Allele origin: germline. Affected: yes. Study: VKGL Data-share Consensus. Not counted in ClinVar's aggregate classification.

Clinical Genetics, Academic Medical Center
Classification: Benign. Review status: no assertion criteria provided. Collection method: clinical testing. Allele origin: germline. Affected: yes. Study: VKGL Data-share Consensus. Not counted in ClinVar's aggregate classification.

NM_000245.4(MET):c.-14-4G>A

Gene: MET (MET proto-oncogene, receptor tyrosine kinase; plus strand). Cytogenetic location: 7q31.2.
Variant type: single nucleotide variant.
Coding change: c.-14-4G>A on transcript NM_000245.4 (MANE Select); 4 bases into the intron before 14 bases upstream of the start codon, G replaced by A.
Molecular consequence: intron variant.
Genome position (GRCh38, 1-based): chr7:116,699,067, G>A. VCF-style: chr7-116699067-G-A. GRCh37 (hg19) VCF-style: chr7-116339121-G-A.
Other names: IVS1-4G>A; c.-14-4G>A (NM_001127500.3, NM_001324401.3); c.-91+26490G>A (NM_001324402.2).
Identifiers: ClinVar variation 167291 (VCV000167291.22), dbSNP rs144126521, ClinGen allele CA180191.
Genomic context (GRCh38, chr7:116,699,067, plus strand): 5'-GTCTTTCAGTTTTCTCTTCATTTCTGACAACTGAACTGCTCTCGCCTTGAACCTGTTTTG[G>A]CAGATAAACCTCTCATAATGAAGGCCCCCGCTGTGCTTGCACCTGGCATCCTCGTGCTCC-3'